The following is an entry in ClinVar:

NM_003954.5(MAP3K14):c.916T>C (p.Cys306Arg)

Gene: MAP3K14 (mitogen-activated protein kinase kinase kinase 14; minus strand). Cytogenetic location: 17q21.31.
Variant type: single nucleotide variant.
Coding change: c.916T>C on transcript NM_003954.5 (MANE Select); coding-DNA position 916, T replaced by C.
Protein change: p.Cys306Arg; replaces cysteine 306 with arginine.
Molecular consequence: missense variant.
Genome position (GRCh38, 1-based): chr17:45,286,667, A>G on the plus strand (T>C on the coding strand, the complement: MAP3K14 is on the minus strand). VCF-style: chr17-45286667-A-G. GRCh37 (hg19) VCF-style: chr17-43364034-A-G.
Other names: c.916T>C, p.Cys306Arg (LRG_1222t1); short protein forms C306R.
Identifiers: ClinVar variation 544323 (VCV000544323.9), dbSNP rs766805198, ClinGen allele CA8614253.
Genomic context (GRCh38, chr17:45,286,667, plus strand): 5'-CACGAGACAGGCAGCTGGGCTCCAGGTGTGGGCCAGGCAGGGGCTTTGGACTGTCTACAC[A>G]GGCCAGTTTGCTCAGGTGTGGGTCAGGCAAGGGTTTCTGGCTGTCTACACAGGCCAGTTT-3'
Protein context (NP_003945.2, residues 296-316): LPDPHLSKLA[Cys306Arg]VDSPKPLPGP

ClinVar aggregate classification (germline): Uncertain significance (1 of 4 stars; one submission).

Conditions:
NIK deficiency. Also called: Primary immunodeficiency with multifaceted aberrant lymphoid immunity. Identifiers: Orphanet 447731, MedGen C5680065, MONDO:0018642.

Allele frequency attached by ClinVar (database versions not stated): gnomAD 0.00001; gnomAD exomes 0.00001 and 0.00005; TOPMed 0.00001; ExAC 0.00002.
gnomAD v4.1: 73 of 1,610,212 alleles (0.0045%); highest among the groups gnomAD compares: Non-Finnish European, 0.0059%; no homozygotes.

Submission:

Labcorp Genetics (formerly Invitae), Labcorp
Classification: Uncertain significance for NIK deficiency. Last evaluated: 2022-08-06. Review status: criteria provided, single submitter. Criteria: Invitae Variant Classification Sherloc (09022015). Collection method: clinical testing. Allele origin: germline.
Comment: In summary, the available evidence is currently insufficient to determine the role of this variant in disease. Therefore, it has been classified as a Variant of Uncertain Significance. ClinVar contains an entry for this variant (Variation ID: 544323). This variant has not been reported in the literature in individuals affected with MAP3K14-related conditions. This variant is present in population databases (rs766805198, gnomAD 0.003%). This sequence change replaces cysteine, which is neutral and slightly polar, with arginine, which is basic and polar, at codon 306 of the MAP3K14 protein (p.Cys306Arg).